The following is an entry in ClinVar:

NM_032638.5(GATA2):c.423C>G (p.Tyr141Ter)

Gene: GATA2 (GATA binding protein 2; minus strand). Cytogenetic location: 3q21.3.
Variant type: single nucleotide variant.
Coding change: c.423C>G on transcript NM_032638.5 (MANE Select); coding-DNA position 423, C replaced by G.
Protein change: p.Tyr141Ter; replaces tyrosine 141 with a stop codon.
Molecular consequence: nonsense.
Genome position (GRCh38, 1-based): chr3:128,486,175, G>C on the plus strand (C>G on the coding strand, the complement: GATA2 is on the minus strand). VCF-style: chr3-128486175-G-C. GRCh37 (hg19) VCF-style: chr3-128205018-G-C.
Other names: c.423C>G, p.Tyr141Ter (NM_001145661.2, NM_001145662.1); short protein forms Y141*.
Identifiers: ClinVar variation 2020366 (VCV002020366.4), dbSNP rs781744898, ClinGen allele CA354406805.

ClinVar aggregate classification (germline): Pathogenic (1 of 4 stars; one submission).

Conditions:
Deafness-lymphedema-leukemia syndrome. Also called: Lymphedema, primary, with myelodysplasia; Emberger syndrome. Identifiers: Orphanet 3226, MedGen C3279664, MONDO:0013540, OMIM 614038.
Monocytopenia with susceptibility to infections. Also called: MONOCYTOPENIA AND MYCOBACTERIAL INFECTION SYNDROME; MONOCYTOPENIA WITH SUSCEPTIBILITY TO MYCOBACTERIAL, FUNGAL, AND PAPILLOMAVIRUS INFECTIONS AND MYELODYSPLASIA; COMBINED IMMUNODEFICIENCY WITH SUSCEPTIBILITY TO MYCOBACTERIAL, VIRAL, AND FUNGAL INFECTIONS; Dendritic cell, monocyte, B lymphocyte, and natural killer lymphocyte deficiency; IMMUNODEFICIENCY 21; GATA2 DEFICIENCY. Identifiers: Orphanet 228423, MedGen C3280030, MONDO:0013607, OMIM 614172.

Submission:

Labcorp Genetics (formerly Invitae), Labcorp
Classification: Pathogenic for Monocytopenia with susceptibility to infections; Deafness-lymphedema-leukemia syndrome. Last evaluated: 2022-08-09. Review status: criteria provided, single submitter. Criteria: Invitae Variant Classification Sherloc (09022015). Collection method: clinical testing. Allele origin: germline.
Comment: For these reasons, this variant has been classified as Pathogenic. This premature translational stop signal has been observed in individual(s) with bone marrow failure (PMID: 29146883). This variant is not present in population databases (gnomAD no frequency). This sequence change creates a premature translational stop signal (p.Tyr141*) in the GATA2 gene. It is expected to result in an absent or disrupted protein product. Loss-of-function variants in GATA2 are known to be pathogenic (PMID: 21670465, 23223431).

Literature cited by the submitters: PubMed 29146883; PubMed 21670465; PubMed 23223431.